The following is an entry in ClinVar:

ClinVar aggregate classification (germline): Uncertain significance (1 of 4 stars; one submission).

Conditions:
Frontotemporal dementia and/or amyotrophic lateral sclerosis 1 (FTDALS1). Also called: Frontotemporal dementia with motor neuron disease 1; C9orf72 Frontotemporal Dementia and/or Amyotrophic Lateral Sclerosis. Identifiers: Orphanet 275872, MedGen C5779877, MONDO:0007105, OMIM 105550.
Paget disease of bone 2, early-onset (PDB2). Also called: Paget disease of bone 2. Identifiers: MedGen C4085251, MONDO:0011183, OMIM 602080.

Submission:

Labcorp Genetics (formerly Invitae), Labcorp
Classification: Uncertain significance for Paget disease of bone 2, early-onset; Frontotemporal dementia and/or amyotrophic lateral sclerosis 1. Last evaluated: 2023-10-23. Review status: criteria provided, single submitter. Criteria: Invitae Variant Classification Sherloc (09022015). Collection method: clinical testing. Allele origin: germline.
Comment: This sequence change replaces serine, which is neutral and polar, with alanine, which is neutral and non-polar, at codon 361 of the SQSTM1 protein (p.Ser361Ala). This variant is not present in population databases (gnomAD no frequency). This variant has not been reported in the literature in individuals affected with SQSTM1-related conditions. Advanced modeling of protein sequence and biophysical properties (such as structural, functional, and spatial information, amino acid conservation, physicochemical variation, residue mobility, and thermodynamic stability) performed at Invitae indicates that this missense variant is not expected to disrupt SQSTM1 protein function. In summary, the available evidence is currently insufficient to determine the role of this variant in disease. Therefore, it has been classified as a Variant of Uncertain Significance.

NM_003900.5(SQSTM1):c.1081T>G (p.Ser361Ala)

Gene: SQSTM1 (sequestosome 1; plus strand). Cytogenetic location: 5q35.3.
Variant type: single nucleotide variant.
Coding change: c.1081T>G on transcript NM_003900.5 (MANE Select); coding-DNA position 1081, T replaced by G.
Protein change: p.Ser361Ala; replaces serine 361 with alanine.
Molecular consequence: missense variant.
Genome position (GRCh38, 1-based): chr5:179,833,698, T>G. VCF-style: chr5-179833698-T-G. GRCh37 (hg19) VCF-style: chr5-179260698-T-G.
Other names: c.829T>G, p.Ser277Ala (NM_001142298.2, NM_001142299.2); short protein forms S277A, S361A.
Identifiers: ClinVar variation 2953215 (VCV002953215.3), dbSNP rs2480247995, ClinGen allele CA362452801.